The following is an entry in ClinVar:

ClinVar aggregate classification (germline): Uncertain significance (1 of 4 stars; one submission).

Submission:

Labcorp Genetics (formerly Invitae), Labcorp
Classification: Uncertain significance. Last evaluated: 2024-07-31. Review status: criteria provided, single submitter. Criteria: Invitae Variant Classification Sherloc (09022015). Collection method: clinical testing. Allele origin: germline.
Comment: This variant, c.4177_4185del, results in the deletion of 3 amino acid(s) of the ADGRB2 protein (p.Pro1393_Pro1395del), but otherwise preserves the integrity of the reading frame. The frequency data for this variant in the population databases is considered unreliable, as metrics indicate poor data quality at this position in the gnomAD database. This variant has not been reported in the literature in individuals affected with ADGRB2-related conditions. Experimental studies and prediction algorithms are not available or were not evaluated, and the functional significance of this variant is currently unknown. In summary, the available evidence is currently insufficient to determine the role of this variant in disease. Therefore, it has been classified as a Variant of Uncertain Significance.

NM_001364857.2(ADGRB2):c.4276_4284del (p.Pro1426_Pro1428del)

Gene: ADGRB2 (adhesion G protein-coupled receptor B2; minus strand). Cytogenetic location: 1p35.2.
Variant type: Deletion.
Coding change: c.4276_4284del on transcript NM_001364857.2 (MANE Select); coding-DNA positions 4276 to 4284, 9 bases deleted (CCACCGCCG; older notation c.4276_4284delCCACCGCCG).
Protein change: p.Pro1426_Pro1428del.
Molecular consequence: inframe deletion.
Genome position (GRCh38, 1-based): chr1:31,730,896-31,730,904, CGGCGGTGG deleted on the plus strand (CCACCGCCG on the coding strand, the reverse complement: ADGRB2 is on the minus strand); deleting any 9 consecutive bases within chr1:31,730,896-31,730,907 gives the same sequence; the c. name uses the placement nearest the transcript's 3' end. VCF-style (leftmost placement, unchanged base first): chr1-31730895-TCGGCGGTGG-T. GRCh37 (hg19) VCF-style: chr1-32196496-TCGGCGGTGG-T.
Other names: c.4276_4284del, p.Pro1426_Pro1428del (NM_001294335.2); c.4177_4185del, p.Pro1393_Pro1395del (NM_001294336.2).
Identifiers: ClinVar variation 3608434 (VCV003608434.2).